The following is an entry in ClinVar:

NM_001042492.3(NF1):c.7855_7864del (p.Leu2619fs)

Gene: NF1 (neurofibromin 1; plus strand). Cytogenetic location: 17q11.2.
Variant type: Deletion.
Coding change: c.7855_7864del on transcript NM_001042492.3 (MANE Select); coding-DNA positions 7855 to 7864, 10 bases deleted (CTTCTTACTG; older notation c.7855_7864delCTTCTTACTG).
Protein change: p.Leu2619fs; shifts the reading frame from leucine 2619.
Molecular consequence: frameshift variant.
Genome position (GRCh38, 1-based): chr17:31,357,076-31,357,085, CTTCTTACTG deleted; deleting any 10 consecutive bases within chr17:31,357,073-31,357,085 gives the same sequence; the c. name uses the placement nearest the transcript's 3' end. VCF-style (leftmost placement, unchanged base first): chr17-31357072-GCTGCTTCTTA-G. GRCh37 (hg19) VCF-style: chr17-29684090-GCTGCTTCTTA-G.
Other names: c.7792_7801delCTTCTTACTG, p.Leu2598Phefs (NM_000267.4); short protein forms L2598fs, L2619fs.
Identifiers: ClinVar variation 2030028 (VCV002030028.4), dbSNP rs2508828016, ClinGen allele CA2580093456.
Genomic context (GRCh38, chr17:31,357,072, plus strand): 5'-AGTGTCTGAATCAAATGTTCTCTTGGATGAAGAAGTACTTACTGATCCGAAGATCCAGGC[GCTGCTTCTTA>G]CTGTTCTAGTAAGGATTTCCCCTTTTTGAGTCCCCCACCCTCAAATTTTTATTCCAGTCT-3'

ClinVar aggregate classification (germline): Pathogenic (1 of 4 stars; one submission).

Conditions:
Neurofibromatosis, type 1 (NF1). Also called: VON RECKLINGHAUSEN DISEASE; NEUROFIBROMATOSIS, TYPE I, SOMATIC; Neurofibromatosis, type I; Peripheral type neurofibromatosis. Identifiers: Orphanet 636, MedGen C0027831, MONDO:0018975, OMIM 162200. Disease mechanism: loss of function.

Submission:

Labcorp Genetics (formerly Invitae), Labcorp
Classification: Pathogenic for Neurofibromatosis, type 1. Last evaluated: 2022-09-10. Review status: criteria provided, single submitter. Criteria: Invitae Variant Classification Sherloc (09022015). Collection method: clinical testing. Allele origin: germline.
Comment: This variant has not been reported in the literature in individuals affected with NF1-related conditions. For these reasons, this variant has been classified as Pathogenic. This variant is not present in population databases (gnomAD no frequency). This sequence change creates a premature translational stop signal (p.Leu2598Phefs*2) in the NF1 gene. It is expected to result in an absent or disrupted protein product. Loss-of-function variants in NF1 are known to be pathogenic (PMID: 10712197, 23913538).

Literature cited by the submitters: PubMed 10712197; PubMed 23913538.